The following is an entry in ClinVar:

ClinVar aggregate classification (germline): Uncertain significance. Review status: criteria provided, multiple submitters, no conflicts (2 of 4 stars). 2 submissions from 2 submitters: Uncertain significance (2). Last evaluated 2025-08-31.

Conditions:
Noonan syndrome 9 (NS9). Identifiers: Orphanet 648, MedGen C4225282, MONDO:0014691, OMIM 616559.

gnomAD v4.1: 8 of 1,613,784 alleles (0.0005%); highest among the groups gnomAD compares: Non-Finnish European, 0.00068%; no homozygotes.

Submissions (2):

Labcorp Genetics (formerly Invitae), Labcorp
Classification: Uncertain significance for Noonan syndrome 9. Last evaluated: 2025-08-31. Review status: criteria provided, single submitter. Criteria: Invitae Variant Classification Sherloc (09022015). Collection method: clinical testing. Allele origin: germline.
Comment: This sequence change replaces asparagine, which is neutral and polar, with threonine, which is neutral and polar, at codon 561 of the SOS2 protein (p.Asn561Thr). This variant is present in population databases (rs537761776, gnomAD 0.0009%). This variant has not been reported in the literature in individuals affected with SOS2-related conditions. ClinVar contains an entry for this variant (Variation ID: 3702978). Invitae Evidence Modeling of protein sequence and biophysical properties (such as structural, functional, and spatial information, amino acid conservation, physicochemical variation, residue mobility, and thermodynamic stability) indicates that this missense variant is not expected to disrupt SOS2 protein function with a negative predictive value of 95%. In summary, the available evidence is currently insufficient to determine the role of this variant in disease. Therefore, it has been classified as a Variant of Uncertain Significance.

Mayo Clinic Laboratories, Mayo Clinic
Classification: Uncertain significance. Last evaluated: 2025-02-10. Review status: criteria provided, single submitter. Criteria: ACMG Guidelines, 2015. Collection method: clinical testing. Allele origin: germline. Observed: 1 variant allele.

NM_006939.4(SOS2):c.1682A>C (p.Asn561Thr)

Gene: SOS2 (SOS Ras/Rho guanine nucleotide exchange factor 2; minus strand). Cytogenetic location: 14q21.3.
Variant type: single nucleotide variant.
Coding change: c.1682A>C on transcript NM_006939.4 (MANE Select); coding-DNA position 1682, A replaced by C.
Protein change: p.Asn561Thr; replaces asparagine 561 with threonine.
Molecular consequence: missense variant.
Genome position (GRCh38, 1-based): chr14:50,159,601, T>G on the plus strand (A>C on the coding strand, the complement: SOS2 is on the minus strand). VCF-style: chr14-50159601-T-G. GRCh37 (hg19) VCF-style: chr14-50626319-T-G.
Other names: p.Asn561Thr; c.1583A>C, p.Asn528Thr (NM_001411020.1); short protein forms N528T, N561T.
Identifiers: ClinVar variation 3702978 (VCV003702978.3).